The following is an entry in ClinVar:

ClinVar aggregate classification (germline): Uncertain significance (1 of 4 stars; one submission).

Conditions:
Autosomal recessive distal spinal muscular atrophy 1. Also called: HMN VI; NEURONOPATHY, SEVERE INFANTILE AXONAL, WITH RESPIRATORY FAILURE; SEVERE INFANTILE AXONAL NEUROPATHY WITH RESPIRATORY FAILURE; SPINAL MUSCULAR ATROPHY, DIAPHRAGMATIC; Spinal muscular atrophy with respiratory distress 1; NEURONOPATHY, DISTAL HEREDITARY MOTOR, HARDING TYPE VI. Identifiers: Orphanet 98920, MedGen C1858517, MONDO:0011436, OMIM 604320.
Charcot-Marie-Tooth disease axonal type 2S. Also called: CHARCOT-MARIE-TOOTH NEUROPATHY, TYPE 2S; CHARCOT-MARIE-TOOTH DISEASE, AXONAL, AUTOSOMAL RECESSIVE, TYPE 2S. Identifiers: Orphanet 443073, MedGen C4015349, MONDO:0014511, OMIM 616155.

Submission:

Labcorp Genetics (formerly Invitae), Labcorp
Classification: Uncertain significance for Autosomal recessive distal spinal muscular atrophy 1; Charcot-Marie-Tooth disease axonal type 2S. Last evaluated: 2021-10-20. Review status: criteria provided, single submitter. Criteria: Invitae Variant Classification Sherloc (09022015). Collection method: clinical testing. Allele origin: germline.
Comment: This sequence change replaces arginine with serine at codon 943 of the IGHMBP2 protein (p.Arg943Ser). The arginine residue is moderately conserved and there is a moderate physicochemical difference between arginine and serine. This variant is not present in population databases (ExAC no frequency). This variant has not been reported in the literature in individuals affected with IGHMBP2-related conditions. Algorithms developed to predict the effect of missense changes on protein structure and function are either unavailable or do not agree on the potential impact of this missense change (SIFT: "Deleterious"; PolyPhen-2: "Possibly Damaging"; Align-GVGD: "Class C0"). In summary, the available evidence is currently insufficient to determine the role of this variant in disease. Therefore, it has been classified as a Variant of Uncertain Significance.

NM_002180.3(IGHMBP2):c.2829A>C (p.Arg943Ser)

Gene: IGHMBP2 (immunoglobulin mu DNA binding protein 2; plus strand). Cytogenetic location: 11q13.3.
Variant type: single nucleotide variant.
Coding change: c.2829A>C on transcript NM_002180.3 (MANE Select); coding-DNA position 2829, A replaced by C.
Protein change: p.Arg943Ser; replaces arginine 943 with serine.
Molecular consequence: missense variant.
Genome position (GRCh38, 1-based): chr11:68,939,578, A>C. VCF-style: chr11-68939578-A-C. GRCh37 (hg19) VCF-style: chr11-68707046-A-C.
Other names: short protein forms R943S.
Identifiers: ClinVar variation 855740 (VCV000855740.5), dbSNP rs1859672618, ClinGen allele CA381654838.